The following is an entry in ClinVar:

ClinVar aggregate classification (germline): Uncertain significance (1 of 4 stars; one submission).

Conditions:
Inborn genetic diseases. Identifiers: MedGen C0950123, MeSH D030342.

Submission:

Ambry Genetics
Classification: Uncertain significance for Inborn genetic diseases. Last evaluated: 2026-07-06. Review status: criteria provided, single submitter. Criteria: Ambry Variant Classification Scheme 2023. Collection method: clinical testing. Allele origin: germline.
Comment: The p.K123E variant (also known as c.367A>G), located in coding exon 2 of the GATA2 gene, results from an A to G substitution at nucleotide position 367. The lysine at codon 123 is replaced by glutamic acid, an amino acid with similar properties. This amino acid position is conserved. In addition, the in silico prediction for this alteration is inconclusive. Based on the available evidence, the clinical significance of this variant remains unclear.

NM_032638.5(GATA2):c.367A>G (p.Lys123Glu)

Gene: GATA2 (GATA binding protein 2; minus strand). Cytogenetic location: 3q21.3.
Variant type: single nucleotide variant.
Coding change: c.367A>G on transcript NM_032638.5 (MANE Select); coding-DNA position 367, A replaced by G.
Protein change: p.Lys123Glu; replaces lysine 123 with glutamic acid.
Molecular consequence: missense variant.
Genome position (GRCh38, 1-based): chr3:128,486,231, T>C on the plus strand (A>G on the coding strand, the complement: GATA2 is on the minus strand). VCF-style: chr3-128486231-T-C. GRCh37 (hg19) VCF-style: chr3-128205074-T-C.
Other names: c.367A>G, p.Lys123Glu (NM_001145661.2, NM_001145662.1); short protein forms K123E.
Identifiers: ClinVar variation 5022200 (VCV005022200.1).